The following is an entry in ClinVar:

NM_003872.3(NRP2):c.2425+9468G>A

Gene: NRP2 (neuropilin 2; plus strand). Cytogenetic location: 2q33.3.
Variant type: single nucleotide variant.
Coding change: c.2425+9468G>A on transcript NM_003872.3 (MANE Select); 9468 bases into the intron after coding-DNA position 2425, G replaced by A.
Molecular consequence: intron variant. On other transcripts: synonymous variant (2).
Genome position (GRCh38, 1-based): chr2:205,776,271, G>A. VCF-style: chr2-205776271-G-A. GRCh37 (hg19) VCF-style: chr2-206640995-G-A.
Other names: c.2466G>A, p.Glu822= (NM_018534.4); c.2451G>A, p.Glu817= (NM_201267.2); c.2440+9453G>A (NM_201266.2); c.2425+9468G>A (NM_201279.2).
Identifiers: ClinVar variation 3355744 (VCV003355744.1).
Genomic context (GRCh38, chr2:205,776,271, plus strand): 5'-CAGCCTAGCAACACTCTTCTGTGTCTCTCCACCAGGGGGCACCCTCCTGCCAGGGACCGA[G>A]CCCACAGTGGACACGGTGCCCATGCAGCCCATCCCAGCCTACTGGTATTACGTAATGGCC-3'

ClinVar aggregate classification (germline): Likely benign (0 of 4 stars; one submission).

Conditions:
NRP2-related disorder. Also called: NRP2-related condition.

Submission:

PreventionGenetics, part of Exact Sciences
Classification: Likely benign for NRP2-related condition. Last evaluated: 2022-01-14. Review status: no assertion criteria provided. Collection method: clinical testing. Allele origin: germline.
Comment: This variant is classified as likely benign based on ACMG/AMP sequence variant interpretation guidelines (Richards et al. 2015 PMID: 25741868, with internal and published modifications).